The following is an entry in ClinVar:

NM_004006.3(DMD):c.4072-1G>T

Gene: DMD (dystrophin; minus strand). Cytogenetic location: Xp21.1.
Variant type: single nucleotide variant.
Coding change: c.4072-1G>T on transcript NM_004006.3 (MANE Select); the canonical splice acceptor site of the intron before coding-DNA position 4072, G replaced by T.
Molecular consequence: splice acceptor variant.
Genome position (GRCh38, 1-based): chrX:32,411,914, C>A on the plus strand (G>T on the coding strand, the complement: DMD is on the minus strand). VCF-style: chrX-32411914-C-A. GRCh37 (hg19) VCF-style: chrX-32430031-C-A.
Other names: c.4048-1G>T (NM_000109.4); c.49-1G>T (NM_004011.4); c.40-1G>T (NM_004012.4); c.4060-1G>T (NM_004009.3); c.3703-1G>T (NM_004010.3).
Identifiers: ClinVar variation 409908 (VCV000409908.7), dbSNP rs1060502637, ClinGen allele CA16616681.

ClinVar aggregate classification (germline): Likely pathogenic (1 of 4 stars; one submission).

Conditions:
Duchenne muscular dystrophy (DMD). Also called: MUSCULAR DYSTROPHY, PSEUDOHYPERTROPHIC PROGRESSIVE, DUCHENNE TYPE; Duchenne Muscular Dystrophy (DMD). Identifiers: Orphanet 98896, MedGen C0013264, MONDO:0010679, OMIM 310200.

Submission:

Labcorp Genetics (formerly Invitae), Labcorp
Classification: Likely pathogenic for Duchenne muscular dystrophy. Last evaluated: 2022-06-04. Review status: criteria provided, single submitter. Criteria: Invitae Variant Classification Sherloc (09022015). Collection method: clinical testing. Allele origin: germline.
Comment: ClinVar contains an entry for this variant (Variation ID: 409908). In summary, the currently available evidence indicates that the variant is pathogenic, but additional data are needed to prove that conclusively. Therefore, this variant has been classified as Likely Pathogenic. Algorithms developed to predict the effect of sequence changes on RNA splicing suggest that this variant may disrupt the consensus splice site. This variant has not been reported in the literature in individuals affected with DMD-related conditions. This variant is not present in population databases (gnomAD no frequency). This sequence change affects an acceptor splice site in intron 29 of the DMD gene. It is expected to disrupt RNA splicing. Variants that disrupt the donor or acceptor splice site typically lead to a loss of protein function (PMID: 16199547), and loss-of-function variants in DMD are known to be pathogenic (PMID: 16770791, 25007885).

Literature cited by the submitters: PubMed 16199547; PubMed 16770791; PubMed 25007885.